The following is an entry in ClinVar:

ClinVar aggregate classification (germline): Uncertain significance. Review status: criteria provided, single submitter (1 of 4 stars). 2 submissions from 2 submitters: Uncertain significance (1). 1 of the submissions does not count toward it. Last evaluated 2024-12-05.

Conditions:
Intellectual developmental disorder, X-linked, syndromic 33. Also called: X-linked intellectual disability-global development delay-facial dysmorphism-sacral caudal remnant syndrome; Intellectual disability, X-linked, syndromic 33. Identifiers: Orphanet 480907, MedGen C4225418, MONDO:0010500, OMIM 300966.

Allele frequency attached by ClinVar (database versions not stated): gnomAD exomes below 0.00001.
gnomAD v4.1: 1 of 1,200,359 alleles (0.000083%); highest among the groups gnomAD compares: Admixed American, 0.0022%; no homozygotes.

Submissions (2):

Labcorp Genetics (formerly Invitae), Labcorp
Classification: Uncertain significance. Last evaluated: 2024-12-05. Review status: criteria provided, single submitter. Criteria: Invitae Variant Classification Sherloc (09022015). Collection method: clinical testing. Allele origin: germline.
Comment: This sequence change falls in intron 17 of the TAF1 gene. It does not directly change the encoded amino acid sequence of the TAF1 protein. It affects a nucleotide within the consensus splice site. This variant is not present in population databases (gnomAD no frequency). This variant has not been reported in the literature in individuals affected with TAF1-related conditions. ClinVar contains an entry for this variant (Variation ID: 976790). Variants that disrupt the consensus splice site are a relatively common cause of aberrant splicing (PMID: 17576681, 9536098). Algorithms developed to predict the effect of sequence changes on RNA splicing suggest that this variant is not likely to affect RNA splicing. In summary, the available evidence is currently insufficient to determine the role of this variant in disease. Therefore, it has been classified as a Variant of Uncertain Significance.

Clinical Genomics Laboratory, Stanford Medicine
Classification: Uncertain significance for Intellectual developmental disorder, X-linked, syndromic 33. Last evaluated: 2020-06-16. Review status: no assertion criteria provided. Collection method: clinical testing. Allele origin: germline. Inheritance: X-linked recessive inheritance. Affected: yes. Not counted in ClinVar's aggregate classification.
Comment: The c.2760+5A>G variant in the TAF1 gene has not been previously reported in association with disease. This variant was absent from large population databases, including the Genome Aggregation Database. This variant occurs in the intron, near the 5â€™ splice site, and computational tools predict that it results in an increase in splicing efficiency. However, the accuracy of these computational tools is limited. These data were assessed using the ACMG/AMP variant interpretation guidelines. In summary, the significance of the c.2760+5A>G variant is uncertain. Additional information is needed to resolve the significance of this variant.[ACMG evidence codes used: PM2]

Literature cited by the submitters: PubMed 17576681 (cited by Labcorp Genetics (formerly Invitae), Labcorp); PubMed 9536098 (cited by Labcorp Genetics (formerly Invitae), Labcorp).

NM_004606.5(TAF1):c.2700+5A>G

Gene: TAF1 (TATA-box binding protein associated factor 1; plus strand). Cytogenetic location: Xq13.1.
Variant type: single nucleotide variant.
Coding change: c.2700+5A>G on transcript NM_004606.5 (MANE Select); 5 bases into the intron after coding-DNA position 2700, A replaced by G.
Molecular consequence: intron variant.
Genome position (GRCh38, 1-based): chrX:71,388,873, A>G. VCF-style: chrX-71388873-A-G. GRCh37 (hg19) VCF-style: chrX-70608723-A-G.
Other names: c.2700+5A>G (NM_001286074.2); c.2637+5A>G (NM_138923.4).
Identifiers: ClinVar variation 976790 (VCV000976790.6), dbSNP rs2034394782, ClinGen allele CA1139667650.